The following is an entry in ClinVar:

ClinVar aggregate classification (germline): Uncertain significance (1 of 4 stars; one submission).

Conditions:
Cardiovascular phenotype. Identifiers: MedGen CN230736.

Allele frequency attached by ClinVar (database versions not stated): TOPMed below 0.00001.

Submission:

Ambry Genetics
Classification: Uncertain significance for Cardiovascular phenotype. Last evaluated: 2021-11-02. Review status: criteria provided, single submitter. Criteria: Ambry Variant Classification Scheme 2023. Collection method: clinical testing. Allele origin: germline.
Comment: The p.Y150H variant (also known as c.448T>C), located in coding exon 4 of the ABCG5 gene, results from a T to C substitution at nucleotide position 448. The tyrosine at codon 150 is replaced by histidine, an amino acid with similar properties. This amino acid position is conserved. In addition, the in silico prediction for this alteration is inconclusive. Since supporting evidence is limited at this time, the clinical significance of this alteration remains unclear.

NM_022436.3(ABCG5):c.448T>C (p.Tyr150His)

Gene: ABCG5 (ATP binding cassette subfamily G member 5; minus strand). Cytogenetic location: 2p21.
Variant type: single nucleotide variant.
Coding change: c.448T>C on transcript NM_022436.3 (MANE Select); coding-DNA position 448, T replaced by C.
Protein change: p.Tyr150His; replaces tyrosine 150 with histidine.
Molecular consequence: missense variant.
Genome position (GRCh38, 1-based): chr2:43,831,822, A>G on the plus strand (T>C on the coding strand, the complement: ABCG5 is on the minus strand). VCF-style: chr2-43831822-A-G. GRCh37 (hg19) VCF-style: chr2-44058961-A-G.
Other names: short protein forms Y150H.
Identifiers: ClinVar variation 1740967 (VCV001740967.2), dbSNP rs1267290860, ClinGen allele CA346667731.
Genomic context (GRCh38, chr2:43,831,822, plus strand): 5'-CACCCACCTTCTTCTGGAAGGAGCCGGGATTGCCGCGGCGGATGGCCAGCAGCGCGGTGT[A>G]GTGCAGCGTCTCGCGCACGGTGAGGCTGCTCAGCAGGGTGTCGCTCTGCAGGAGACTCGG-3'
Protein context (NP_071881.1, residues 140-160): SSLTVRETLH[Tyr150His]TALLAIRRGN